The following is an entry in ClinVar:

ClinVar aggregate classification (germline): Pathogenic. Review status: criteria provided, single submitter (1 of 4 stars). 2 submissions from 2 submitters: Pathogenic (1). 1 of the submissions does not count toward it. Last evaluated 2014-03-06.

Conditions:
Lymphangiomyomatosis (LAM). Also called: Lymphangioleiomyomatosis; Lymphangioleiomyomatosis, somatic. Identifiers: Orphanet 538, MedGen C0751674, MONDO:0011705, OMIM 606690.
Tuberous sclerosis syndrome (TSC). Also called: Tuberous Sclerosis Complex; Tuberous sclerosis. Identifiers: Orphanet 805, MedGen C0041341, MONDO:0001734.

Submissions (2):

GeneDx
Classification: Pathogenic. Last evaluated: 2014-03-06. Review status: criteria provided, single submitter. Criteria: GeneDx Variant Classification (06012015). Collection method: clinical testing. Allele origin: germline. Affected: yes.
Comment: p.Trp164Stop (TGG>TAG): c.491 G>A in exon 6 of the TSC1 gene (NM_000368.4). The Trp164Stop nonsense mutation in the TSC1 gene is predicted to cause loss of normal protein function either through protein truncation or nonsense-mediated mRNA decay. It was not observed in approximately 6,500 individuals of European and African American ancestry in the NHLBI Exome Sequencing Project, indicating it is not a common benign variant in these populations. Although this mutation has not been reported previously to our knowledge, the presence of Trp164Stop is consistent with a diagnosis of a TSC1-related disorder. The variant is found in EPILEPSY panel(s).

Tuberous sclerosis database (TSC1)
No classification provided. Condition: TSC; LAM. Review status: no classification provided. Criteria: Tuberous Sclerosis Database Assertion Criteria 2015. Collection method: curation. Allele origin: germline. Affected: yes. Not counted in ClinVar's aggregate classification.

NM_000368.5(TSC1):c.491G>A (p.Trp164Ter)

Gene: TSC1 (TSC complex subunit 1; minus strand). Cytogenetic location: 9q34.13.
Variant type: single nucleotide variant.
Coding change: c.491G>A on transcript NM_000368.5 (MANE Select); coding-DNA position 491, G replaced by A.
Protein change: p.Trp164Ter; replaces tryptophan 164 with a stop codon.
Molecular consequence: nonsense.
Genome position (GRCh38, 1-based): chr9:132,923,365, C>T on the plus strand (G>A on the coding strand, the complement: TSC1 is on the minus strand). VCF-style: chr9-132923365-C-T. GRCh37 (hg19) VCF-style: chr9-135798752-C-T.
Other names: p.W164*:TGG>TAG; c.491G>A, p.Trp164Ter (NM_001162426.2); c.338G>A, p.Trp113Ter (NM_001162427.2); c.128G>A, p.Trp43Ter (NM_001362177.2); short protein forms W164*, W113*, W43*.
Identifiers: ClinVar variation 49046 (VCV000049046.3), dbSNP rs118203387, ClinGen allele CA007633.